The following is an entry in ClinVar:

ClinVar aggregate classification (germline): Uncertain significance. Review status: reviewed by expert panel (3 of 4 stars). 2 submissions from 2 submitters: Uncertain significance (1). 1 of the submissions does not count toward it. Last evaluated 2021-05-06.

Conditions:
Mitochondrial disease. Also called: Mitochondrial disorders; Mitochondrial disorder. Identifiers: Orphanet 68380, MedGen C0751651, MeSH D028361, MONDO:0044970.
Progressive sclerosing poliodystrophy (MTDPS4A). Also called: ALPERS PROGRESSIVE INFANTILE POLIODYSTROPHY; Alpers Syndrome; Alpers-Huttenlocher Syndrome; Mitochondrial DNA Depletion Syndrome 4A; Alpers-Huttenlocher Syndrome (AHS); NEURONAL DEGENERATION OF CHILDHOOD WITH LIVER DISEASE, PROGRESSIVE. Identifiers: Orphanet 726, MedGen C0205710, MONDO:0008758, OMIM 203700.

Submissions (2):

ClinGen Mitochondrial Disease Nuclear and Mitochondrial  Variant Curation Expert Panel, ClinGen
Classification: Uncertain significance for Mitochondrial disease. Last evaluated: 2021-05-06. Review status: reviewed by expert panel. Criteria: clingen mito disease acmg specifications v1-1. Collection method: curation. Allele origin: germline. Inheritance: Autosomal recessive inheritance.
Comment: The c.3572 A>G (p.Lys1191Arg) variant in POLG is absent in population databases (PM2). Computational prediction tool Revel score 0.938 (PP3). There is a likely pathogenic variant at the same amino acid position p.Lys1191Asn seen in 3 cases as compound heterozygotes. Two cases with Ala467Thr presenting with Alpers syndrome and one with c.752 C>T (p.Thr251Ile) / c.1760 C>T (p.Pro587Leu) presenting with CPEO spectrum (PM5_supporting; PMID: 16621917; PMID: 21880868; PMID: 19538466). In summary, there is insufficient evidence to characterize this variant and therefore it remains a variant of uncertain significance for primary mitochondrial disease inherited in a autosomal recessive manner. ntDNA Mitochondrial ACMG-AMP Criteria for POLG applied: PM2, PM3_strong, PP3, PM5_supporting.

Wong Mito Lab, Molecular and Human Genetics, Baylor College of Medicine
Classification: Pathogenic for Progressive sclerosing poliodystrophy. Last evaluated: 2018-10-01. Review status: criteria provided, single submitter. Criteria: ACMG Guidelines, 2015. Collection method: clinical testing. Allele origin: germline. Not counted in ClinVar's aggregate classification.
Comment: The NM_002693.2:c.3572A>G (NP_002684.1:p.Lys1191Arg) [GRCH38: NC_000015.10:g.89317447T>C] variant in POLG gene is interpretated to be a Pathogenic based on ACMG guidelines (PMID: 25741868). This variant meets the following evidence codes reported in the ACMG-guideline. PS2:This is a de Novo variant in POLG with confirmation of paternity & maternity PM2:This variant is absent in key population databases. PM3:Detected in trans with a pathogenic variant for Mitochondrial DNA depletion syndrome 4A (Alpers type) which is a recessive disorder. PP2:This is a missense variant in POLG with a low rate of benign and high rate of pathogenic missense variations. PP3:Computational evidence/predictors indicate the variant has deleterious effect on POLG structure, function, or protein-protein interaction. PP4:Patient's phenotype or family history is highly specific for POLG. Based on the evidence criteria codes applied, the variant is suggested to be Pathogenic.

NM_002693.3(POLG):c.3572A>G (p.Lys1191Arg)

Gene: POLG (DNA polymerase gamma, catalytic subunit; minus strand). Cytogenetic location: 15q26.1.
Variant type: single nucleotide variant.
Coding change: c.3572A>G on transcript NM_002693.3 (MANE Select); coding-DNA position 3572, A replaced by G.
Protein change: p.Lys1191Arg; replaces lysine 1191 with arginine.
Molecular consequence: missense variant.
Genome position (GRCh38, 1-based): chr15:89,317,447, T>C on the plus strand (A>G on the coding strand, the complement: POLG is on the minus strand). VCF-style: chr15-89317447-T-C. GRCh37 (hg19) VCF-style: chr15-89860678-T-C.
Other names: NM_002693.2(POLG):c.3572A>G; p.Lys1191Arg; c.3572A>G, p.Lys1191Arg (NM_001126131.2); short protein forms K1191R.
Identifiers: ClinVar variation 619340 (VCV000619340.2), dbSNP rs1567183988, ClinGen allele CA10602281.
Genomic context (GRCh38, chr15:89,317,447, plus strand): 5'-CCGTATCTCCTTTCCATCCCAGTTGGGTTGGAAGGGGTTTTACAATCCATGGTCACTTCC[T>C]TCCTGAGGCACCGGTCAATATCGACTGCACTGAAAAAGGCGACTGACTGGGGCAAGTCAT-3'
Protein context (NP_002684.1, residues 1181-1201): SAVDIDRCLR[Lys1191Arg]EVTMDCKTPS